The following is an entry in ClinVar:

NM_000363.5(TNNI3):c.493G>T (p.Glu165Ter)

Gene: TNNI3 (troponin I3, cardiac type; minus strand). Cytogenetic location: 19q13.42.
Variant type: single nucleotide variant.
Coding change: c.493G>T on transcript NM_000363.5 (MANE Select); coding-DNA position 493, G replaced by T.
Protein change: p.Glu165Ter; replaces glutamic acid 165 with a stop codon.
Molecular consequence: nonsense.
Genome position (GRCh38, 1-based): chr19:55,154,086, C>A on the plus strand (G>T on the coding strand, the complement: TNNI3 is on the minus strand). VCF-style: chr19-55154086-C-A. GRCh37 (hg19) VCF-style: chr19-55665454-C-A.
Other names: c.493G>T (LRG_432t1); short protein forms E165*.
Identifiers: ClinVar variation 383149 (VCV000383149.54), dbSNP rs1057521530, ClinGen allele CA16608300.

ClinVar aggregate classification (germline): Conflicting classifications of pathogenicity. Review status: criteria provided, conflicting classifications (1 of 4 stars). 4 submissions from 4 submitters: Pathogenic (1); Likely pathogenic (1); Uncertain significance (2). Last evaluated 2025-01-02.

Conditions:
Hypertrophic cardiomyopathy. Also called: HYPERTROPHIC MYOCARDIOPATHY. Identifiers: Orphanet 217569, MedGen C0007194, MeSH D002312, MONDO:0005045, HP:0001639.

Allele frequency attached by ClinVar (database versions not stated): gnomAD 0.00001.
gnomAD v4.1: 1 of 1,612,980 alleles (0.000062%); highest among the groups gnomAD compares: Non-Finnish European, 0.000085%; no homozygotes.

Submissions (4):

Labcorp Genetics (formerly Invitae), Labcorp
Classification: Pathogenic for Hypertrophic cardiomyopathy. Last evaluated: 2025-01-02. Review status: criteria provided, single submitter. Criteria: Invitae Variant Classification Sherloc (09022015). Collection method: clinical testing. Allele origin: germline.
Comment: This sequence change creates a premature translational stop signal (p.Glu165*) in the TNNI3 gene. It is expected to result in an absent or disrupted protein product. Loss-of-function variants in TNNI3 are known to be pathogenic (PMID: 31568572, 34036930, 35838873). This variant is not present in population databases (gnomAD no frequency). This premature translational stop signal has been observed in individual(s) with hypertrophic cardiomyopathy (PMID: 24793961). ClinVar contains an entry for this variant (Variation ID: 383149). For these reasons, this variant has been classified as Pathogenic.

All of Us Research Program, National Institutes of Health
Classification: Uncertain significance for Hypertrophic cardiomyopathy. Last evaluated: 2023-08-23. Review status: criteria provided, single submitter. Criteria: ACMG Guidelines, 2015. Collection method: clinical testing. Allele origin: germline. Inheritance: Autosomal dominant inheritance. Observed: 1 variant allele, 1 heterozygote.
Comment: This variant changes 1 nucleotide in exon 7 of the TNNI3 gene, creating a premature translation stop signal. This variant is expected to result in an absent or non-functional protein product. To our knowledge, functional studies have not been reported for this variant. This variant has been reported in individuals affected with hypertrophic cardiomyopathy (PMID: 24793961, 29875424). This variant has not been identified in the general population by the Genome Aggregation Database (gnomAD). Clinical relevance of loss-of-function TNNI3 truncation variants in autosomal dominant cardiovascular disorders is not clearly established. The available evidence is insufficient to determine the role of this variant in disease conclusively. Therefore, this variant is classified as a Variant of Uncertain Significance.

This study involves interpretation of variants in research participants for the purpose of population health screening. Participant phenotype was not available at the time of variant classification. Additional details can be found in publication PMID: 35346344, PMCID: PMC8962531

CeGaT Center for Human Genetics Tuebingen
Classification: Uncertain significance. Last evaluated: 2019-08-01. Review status: criteria provided, single submitter. Criteria: CeGaT Center For Human Genetics Tuebingen Variant Classification Criteria Version 2. Collection method: clinical testing. Allele origin: germline. Affected: yes. Observed: 2 variant alleles.

GeneDx
Classification: Likely pathogenic. Last evaluated: 2016-01-15. Review status: criteria provided, single submitter. Criteria: GeneDx Variant Classification (06012015). Collection method: clinical testing. Allele origin: germline. Affected: yes.
Comment: The likely pathogenic E165X variant in the TNNI3 gene has not been reported as a pathogenic variant or as a benign variant to our knowledge. This variant was not observed in approximately 6,200 individuals of European and African American ancestry in the NHLBI Exome Sequencing Project, indicating it is not a common benign variant in these populations. E165X is predicted to cause loss of normal protein function by protein truncation (loss of the last 46 amino acids). However, no nonsense variants in the TNNI3 gene have been reported in HGMD (Stenson et al., 2014). Most of the pathogenic variants in TNNI3 reported in HGMD are missense substitutions that affect the calcium sensitivity of contraction. While haploinsufficiency is not a well-established mechanism of disease for the TNNI3 gene, other truncation variants have been reported in HGMD (Stenson et al., 2014). Therefore, this variant is likely pathogenic. In order to definitively determine its clinical significance, additional data is required.

Literature cited by the submitters: PubMed 31568572 (cited by Labcorp Genetics (formerly Invitae), Labcorp); PubMed 34036930 (cited by Labcorp Genetics (formerly Invitae), Labcorp); PubMed 35838873 (cited by Labcorp Genetics (formerly Invitae), Labcorp); PubMed 24793961 (cited by Labcorp Genetics (formerly Invitae), Labcorp and All of Us Research Program, National Institutes of Health); PubMed 29875424 (cited by All of Us Research Program, National Institutes of Health).